The following is an entry in ClinVar:

ClinVar aggregate classification (germline): Uncertain significance (1 of 4 stars; one submission).

Conditions:
Autosomal recessive limb-girdle muscular dystrophy type 2A (LGMDR1). Also called: Limb-girdle muscular dystrophy, type 2A; Calpainopathy; Muscular dystrophy, limb-girdle, type 2A, Amish; LEYDEN-MOEBIUS MUSCULAR DYSTROPHY; MUSCULAR DYSTROPHY, PELVOFEMORAL. Identifiers: Orphanet 267, MedGen C1869123, MONDO:0009675, OMIM 253600. Disease mechanism: loss of function.

Submission:

Labcorp Genetics (formerly Invitae), Labcorp
Classification: Uncertain significance for Autosomal recessive limb-girdle muscular dystrophy type 2A. Last evaluated: 2023-09-05. Review status: criteria provided, single submitter. Criteria: Invitae Variant Classification Sherloc (09022015). Collection method: clinical testing. Allele origin: germline.
Comment: In summary, the available evidence is currently insufficient to determine the role of this variant in disease. Therefore, it has been classified as a Variant of Uncertain Significance. This variant has not been reported in the literature in individuals affected with CAPN3-related conditions. This variant is not present in population databases (gnomAD no frequency). This sequence change falls in intron 6 of the CAPN3 gene. It does not directly change the encoded amino acid sequence of the CAPN3 protein.

NM_000070.3(CAPN3):c.945_945+47dup

Gene: CAPN3 (calpain 3; plus strand). Cytogenetic location: 15q15.1.
Variant type: Duplication.
Coding change: c.945_945+47dup on transcript NM_000070.3 (MANE Select); coding-DNA position 945 through 47 bases into the intron after coding-DNA position 945, 48 bases duplicated.
Molecular consequence: splice donor variant. On other transcripts: intron variant (1).
Genome position (GRCh38, 1-based): chr15:42,390,096-42,390,143, 48 bases duplicated. GRCh37 (hg19): chr15:42,682,294-42,682,341.
Other names: c.945_945+47dup (NM_024344.2); c.801+1000_801+1047dup (NM_173087.2).
Identifiers: ClinVar variation 2897801 (VCV002897801.3), dbSNP rs2548262354, ClinGen allele CA2739278144.